The following is an entry in ClinVar:

NM_000212.3(ITGB3):c.1703G>A (p.Cys568Tyr)

Gene: ITGB3 (integrin subunit beta 3; plus strand). Cytogenetic location: 17q21.32.
Variant type: single nucleotide variant.
Coding change: c.1703G>A on transcript NM_000212.3 (MANE Select); coding-DNA position 1703, G replaced by A.
Protein change: p.Cys568Tyr; replaces cysteine 568 with tyrosine.
Molecular consequence: missense variant.
Genome position (GRCh38, 1-based): chr17:47,299,320, G>A. VCF-style: chr17-47299320-G-A. GRCh37 (hg19) VCF-style: chr17-45376686-G-A.
Other names: short protein forms C568Y.
Identifiers: ClinVar variation 1687167 (VCV001687167.1), dbSNP rs2143129695, ClinGen allele CA400032353.
Genomic context (GRCh38, chr17:47,299,320, plus strand): 5'-GTGGAGCTCTCGCCAGCGGGTCCACCTTCCTGGGCTGTGTGTTTTCAGGCCATGGCCAGT[G>A]CAGCTGTGGGGACTGCCTGTGTGACTCCGACTGGACCGGCTACTACTGCAACTGTACCAC-3'
Protein context (NP_000203.2, residues 558-578): KGEMCSGHGQ[Cys568Tyr]SCGDCLCDSD

ClinVar aggregate classification (germline): Uncertain significance (1 of 4 stars; one submission).

Conditions:
Glanzmann thrombasthenia 2. Also called: BLEEDING DISORDER, PLATELET-TYPE, 23. Identifiers: MedGen C5543273, MONDO:0031009, OMIM 619267.

Submission:

3billion
Classification: Uncertain significance for Glanzmann thrombasthenia 2. Last evaluated: 2022-05-22. Review status: criteria provided, single submitter. Criteria: ACMG Guidelines, 2015. Collection method: clinical testing. Allele origin: germline. Affected: yes. Observed: 1 homozygote.
Comment: The variant is not observed in the gnomAD v2.1.1 dataset. In silico tool predictions suggest damaging effect of the variant on gene or gene product (REVEL: 0.96; 3Cnet: 0.92). A different missense change at the same codon (p.Cys568Arg) has been reported as pathogenic/likely pathogenic with strong evidence (ClinVar ID: VCV000953008). Therefore, this variant is classified as uncertain significanceaccording to the recommendation of ACMG/AMP guideline.